The following is an entry in ClinVar:

NM_013964.5(NRG1):c.1847G>T (p.Gly616Val)

Gene: NRG1 (neuregulin 1; plus strand). Cytogenetic location: 8p12.
Variant type: single nucleotide variant.
Coding change: c.1847G>T on transcript NM_013964.5 (MANE Select); coding-DNA position 1847, G replaced by T.
Protein change: p.Gly616Val; replaces glycine 616 with valine.
Molecular consequence: missense variant. On other transcripts: 3 prime UTR variant (4).
Genome position (GRCh38, 1-based): chr8:32,764,326, G>T. VCF-style: chr8-32764326-G-T. GRCh37 (hg19) VCF-style: chr8-32621844-G-T.
Other names: c.1748G>T, p.Gly583Val (NM_001159995.3, NM_001322203.1); c.*600G>T (NM_001159996.3, NM_001160004.3, NM_001322206.2 and 1 more transcripts); c.1799G>T, p.Gly600Val (NM_001159999.3); c.1697G>T, p.Gly566Val (NM_001160001.3); c.1376G>T, p.Gly459Val (NM_001322197.2); c.1073G>T, p.Gly358Val (NM_001322201.2, NM_001322202.2); c.2027G>T, p.Gly676Val (NM_001322205.2); c.1862G>T, p.Gly621Val (NM_013956.5); and 1 more; short protein forms G358V, G459V, G566V, G583V, G600V, G613V, G616V, G621V.
Identifiers: ClinVar variation 3059231 (VCV003059231.2), dbSNP rs75155858, ClinGen allele CA4706223.

ClinVar aggregate classification (germline): Benign (0 of 4 stars; one submission).

Conditions:
NRG1-related disorder. Also called: NRG1-related condition.

Allele frequency attached by ClinVar (database versions not stated): ESP Exome Variant Server 0.00984; gnomAD 0.03077; TOPMed 0.03981; ExAC 0.05320; 1000 Genomes Project 30x 0.10041; 1000 Genomes Project 0.10483.
gnomAD v4.1: 32,692 of 1,613,864 alleles (2%); highest among the groups gnomAD compares: East Asian, 33%; 3,551 homozygotes.

Submission:

PreventionGenetics, part of Exact Sciences
Classification: Benign for NRG1-related condition. Last evaluated: 2019-02-26. Review status: no assertion criteria provided. Collection method: clinical testing. Allele origin: germline.
Comment: This variant is classified as benign based on ACMG/AMP sequence variant interpretation guidelines (Richards et al. 2015 PMID: 25741868, with internal and published modifications).